The following is an entry in ClinVar:

NM_001080467.3(MYO5B):c.3848C>T (p.Pro1283Leu)

Gene: MYO5B (myosin VB; minus strand). Cytogenetic location: 18q21.1.
Variant type: single nucleotide variant.
Coding change: c.3848C>T on transcript NM_001080467.3 (MANE Select); coding-DNA position 3848, C replaced by T.
Protein change: p.Pro1283Leu; replaces proline 1283 with leucine.
Molecular consequence: missense variant.
Genome position (GRCh38, 1-based): chr18:49,863,323, G>A on the plus strand (C>T on the coding strand, the complement: MYO5B is on the minus strand). VCF-style: chr18-49863323-G-A. GRCh37 (hg19) VCF-style: chr18-47389693-G-A.
Other names: short protein forms P1283L.
Identifiers: ClinVar variation 1354318 (VCV001354318.3), dbSNP rs1195500915, ClinGen allele CA402427367.

ClinVar aggregate classification (germline): Uncertain significance (1 of 4 stars; one submission).

gnomAD v4.1: 16 of 1,613,414 alleles (0.00099%); highest among the groups gnomAD compares: Admixed American, 0.0033%; no homozygotes.

Submission:

Labcorp Genetics (formerly Invitae), Labcorp
Classification: Uncertain significance. Last evaluated: 2021-09-19. Review status: criteria provided, single submitter. Criteria: Invitae Variant Classification Sherloc (09022015). Collection method: clinical testing. Allele origin: germline.
Comment: This sequence change replaces proline with leucine at codon 1283 of the MYO5B protein (p.Pro1283Leu). The proline residue is highly conserved and there is a moderate physicochemical difference between proline and leucine. This variant is not present in population databases (ExAC no frequency). This variant has not been reported in the literature in individuals affected with MYO5B-related conditions. Algorithms developed to predict the effect of missense changes on protein structure and function are either unavailable or do not agree on the potential impact of this missense change (SIFT: "Deleterious"; PolyPhen-2: "Benign"; Align-GVGD: "Class C0"). In summary, the available evidence is currently insufficient to determine the role of this variant in disease. Therefore, it has been classified as a Variant of Uncertain Significance.